The following is an entry in ClinVar:

NM_020631.6(PLEKHG5):c.2117A>G (p.Glu706Gly)

Gene: PLEKHG5 (pleckstrin homology and RhoGEF domain containing G5; minus strand). Cytogenetic location: 1p36.31.
Variant type: single nucleotide variant.
Coding change: c.2117A>G on transcript NM_020631.6 (MANE Select); coding-DNA position 2117, A replaced by G.
Protein change: p.Glu706Gly; replaces glutamic acid 706 with glycine.
Molecular consequence: missense variant.
Genome position (GRCh38, 1-based): chr1:6,469,174, T>C on the plus strand (A>G on the coding strand, the complement: PLEKHG5 is on the minus strand). VCF-style: chr1-6469174-T-C. GRCh37 (hg19) VCF-style: chr1-6529234-T-C.
Other names: c.2228A>G, p.Glu743Gly (NM_001042663.3, NM_001265592.2); c.2117A>G, p.Glu706Gly (NM_001042664.2, NM_001042665.2, NM_001265594.3 and 1 more transcripts); c.2324A>G, p.Glu775Gly (NM_001265593.2); short protein forms E706G, E743G, E775G.
Identifiers: ClinVar variation 2142377 (VCV002142377.1), dbSNP rs200964010, ClinGen allele CA561250.

ClinVar aggregate classification (germline): Uncertain significance (1 of 4 stars; one submission).

Conditions:
Neuronopathy, distal hereditary motor, autosomal recessive 4. Also called: NEUROPATHY, DISTAL HEREDITARY MOTOR, AUTOSOMAL RECESSIVE 4; Autosomal recessive lower motor neuron disease with childhood onset. Identifiers: Orphanet 206580, MedGen C1970211, MONDO:0012608, OMIM 611067.
Charcot-Marie-Tooth disease recessive intermediate C. Also called: CHARCOT-MARIE-TOOTH NEUROPATHY, RECESSIVE INTERMEDIATE C. Identifiers: Orphanet 369867, MedGen C3809309, MONDO:0014154, OMIM 615376.

Allele frequency attached by ClinVar (database versions not stated): gnomAD exomes 0.00001; TOPMed 0.00001; ExAC 0.00002; gnomAD 0.00005; 1000 Genomes Project 0.00040; 1000 Genomes Project 30x 0.00047.
gnomAD v4.1: 20 of 1,613,206 alleles (0.0012%); highest among the groups gnomAD compares: East Asian, 0.045%; 1 homozygote.

Submission:

Labcorp Genetics (formerly Invitae), Labcorp
Classification: Uncertain significance for Neuronopathy, distal hereditary motor, autosomal recessive 4; Charcot-Marie-Tooth disease recessive intermediate C. Last evaluated: 2022-06-22. Review status: criteria provided, single submitter. Criteria: Invitae Variant Classification Sherloc (09022015). Collection method: clinical testing. Allele origin: germline.
Comment: This sequence change replaces glutamic acid, which is acidic and polar, with glycine, which is neutral and non-polar, at codon 706 of the PLEKHG5 protein (p.Glu706Gly). The frequency data for this variant in the population databases is considered unreliable, as metrics indicate poor data quality at this position in the gnomAD database. This variant has not been reported in the literature in individuals affected with PLEKHG5-related conditions. Algorithms developed to predict the effect of missense changes on protein structure and function are either unavailable or do not agree on the potential impact of this missense change (SIFT: "Deleterious"; PolyPhen-2: "Benign"; Align-GVGD: "Class C0"). In summary, the available evidence is currently insufficient to determine the role of this variant in disease. Therefore, it has been classified as a Variant of Uncertain Significance.